The following is an entry in ClinVar:

NM_000540.3(RYR1):c.6584C>T (p.Pro2195Leu)

Gene: RYR1 (ryanodine receptor 1; plus strand). Cytogenetic location: 19q13.2.
Variant type: single nucleotide variant.
Coding change: c.6584C>T on transcript NM_000540.3 (MANE Select); coding-DNA position 6584, C replaced by T.
Protein change: p.Pro2195Leu; replaces proline 2195 with leucine.
Molecular consequence: missense variant.
Genome position (GRCh38, 1-based): chr19:38,496,250, C>T. VCF-style: chr19-38496250-C-T. GRCh37 (hg19) VCF-style: chr19-38986890-C-T.
Other names: c.6584C>T, p.Pro2195Leu (NM_001042723.2); short protein forms P2195L.
Identifiers: ClinVar variation 590572 (VCV000590572.22), dbSNP rs772003357, ClinGen allele CA068442.

ClinVar aggregate classification (germline): Conflicting classifications of pathogenicity. Review status: criteria provided, conflicting classifications (1 of 4 stars). 9 submissions from 9 submitters: Pathogenic (2); Likely pathogenic (1); Uncertain significance (6). Last evaluated 2025-05-18.

Conditions:
Malignant hyperthermia, susceptibility to, 1 (MHS1). Also called: Malignant hyperthermia suceptibility 1; Anesthesia related hyperthermia; Malignant hyperpyrexia; Fulminating hyperpyrexia; Pharmacogenic myopathy; RYR1-Related Malignant Hyperthermia Susceptibility. Identifiers: Orphanet 423, MedGen C2930980, MONDO:0007783, OMIM 145600.
Central core myopathy (CMYO1A). Also called: CONGENITAL MYOPATHY 1A, AUTOSOMAL DOMINANT, WITH SUSCEPTIBILITY TO MALIGNANT HYPERTHERMIA; Central core disease; Myopathy, central fibrillar. Identifiers: Orphanet 597, MedGen C5830701, MONDO:0007294, OMIM 117000.
RYR1-related disorder. Also called: RYR1-related condition; RYR1-related disorders. Identifiers: MedGen CN239331.

Allele frequency attached by ClinVar (database versions not stated): gnomAD exomes below 0.00001; ExAC 0.00001; gnomAD 0.00001; TOPMed 0.00001.
gnomAD v4.1: 3 of 1,613,788 alleles (0.00019%); highest among the groups gnomAD compares: Non-Finnish European, 0.00017%; no homozygotes.

Submissions (9):

Labcorp Genetics (formerly Invitae), Labcorp
Classification: Pathogenic for RYR1-related disorder. Last evaluated: 2025-05-18. Review status: criteria provided, single submitter. Criteria: Invitae Variant Classification Sherloc (09022015). Collection method: clinical testing. Allele origin: germline.
Comment: This sequence change replaces proline, which is neutral and non-polar, with leucine, which is neutral and non-polar, at codon 2195 of the RYR1 protein (p.Pro2195Leu). This variant is present in population databases (rs772003357, gnomAD 0.005%). This missense change has been observed in individual(s) with clinical features of autosomal dominant congenital myopathy (PMID: 25214167; internal data). In at least one individual the variant was observed to be de novo. ClinVar contains an entry for this variant (Variation ID: 590572). Invitae Evidence Modeling of protein sequence and biophysical properties (such as structural, functional, and spatial information, amino acid conservation, physicochemical variation, residue mobility, and thermodynamic stability) indicates that this missense variant is expected to disrupt RYR1 protein function with a positive predictive value of 80%. For these reasons, this variant has been classified as Pathogenic.

GeneDx
Classification: Pathogenic. Last evaluated: 2024-09-18. Review status: criteria provided, single submitter. Criteria: GeneDx Variant Classification Process June 2021. Collection method: clinical testing. Allele origin: germline. Affected: yes.
Comment: Reported as heterozygous in an individual with congenital myopathy, but familial segregation information was not provided (PMID: 25214167); Not observed at significant frequency in large population cohorts (gnomAD); In silico analysis supports that this missense variant has a deleterious effect on protein structure/function; This variant is associated with the following publications: (PMID: 12668474, 25214167, 32236737)

All of Us Research Program, National Institutes of Health
Classification: Uncertain significance for Malignant hyperthermia, susceptibility to, 1. Last evaluated: 2024-04-16. Review status: criteria provided, single submitter. Criteria: ACMG Guidelines, 2015. Collection method: clinical testing. Allele origin: germline. Inheritance: Autosomal dominant inheritance. Observed: 1 variant allele, 1 heterozygote.
Comment: This missense variant replaces proline with leucine at codon 2195 of the RYR1 protein. Computational prediction suggests that this variant may have deleterious impact on protein structure and function. This variant occurs in a region of the RYR1 protein that is considered to be a hotspot for pathogenic variants that contribute to malignant hyperthermia susceptibility (PMID: 21118704). To our knowledge, functional studies have not been reported for this variant. This variant has not been reported in individuals affected with autosomal dominant malignant hyperthermia in the literature, although it is associated with other phenotype(s) (ClinVar Variation ID: 590572). This variant has been identified in 2/282532 chromosomes in the general population by the Genome Aggregation Database (gnomAD). Due to insufficient evidence, this variant is classified as a Variant of Uncertain Significance for autosomal dominant malignant hyperthermia.

This study involves interpretation of variants in research participants for the purpose of population health screening. Participant phenotype was not available at the time of variant classification. Additional details can be found in publication PMID: 35346344, PMCID: PMC8962531

Color Diagnostics, LLC DBA Color Health
Classification: Uncertain significance for Malignant hyperthermia, susceptibility to, 1. Last evaluated: 2024-03-27. Review status: criteria provided, single submitter. Criteria: ACMG Guidelines, 2015. Collection method: clinical testing. Allele origin: germline.
Comment: This missense variant replaces proline with leucine at codon 2195 of the RYR1 protein. Computational prediction suggests that this variant may have deleterious impact on protein structure and function. This variant occurs in a region of the RYR1 protein that is considered to be a hotspot for pathogenic variants that contribute to malignant hyperthermia susceptibility (PMID: 21118704). To our knowledge, functional studies have not been reported for this variant. This variant has not been reported in individuals affected with autosomal dominant malignant hyperthermia in the literature, although it is associated with other phenotype(s) (ClinVar Variation ID: 590572). This variant has been identified in 2/282532 chromosomes in the general population by the Genome Aggregation Database (gnomAD). Due to insufficient evidence, this variant is classified as a Variant of Uncertain Significance for autosomal dominant malignant hyperthermia.

Revvity Omics, Revvity
Classification: Uncertain significance. Last evaluated: 2024-02-27. Review status: criteria provided, single submitter. Criteria: ACMG Guidelines, 2015. Collection method: clinical testing. Allele origin: germline.

3billion
Classification: Likely pathogenic for Central core myopathy. Last evaluated: 2023-06-02. Review status: criteria provided, single submitter. Criteria: ACMG Guidelines, 2015. Collection method: clinical testing. Allele origin: germline. Affected: yes.
Comment: The variant is observed at an extremely low frequency in the gnomAD v2.1.1 dataset (total allele frequency: <0.001%). Predicted Consequence/Location: The variant is located in a mutational hot spot and/or well-established functional domain in which established pathogenic variants have been reported (PMID: 33767344). In silico tool predictions suggest damaging effect of the variant on gene or gene product (REVEL: 0.94; 3Cnet: 0.88). Same nucleotide change resulting in same amino acid change has been previously reported to be associated with RYR1 related disorder (ClinVar ID: VCV000590572). Therefore, this variant is classified as Likely pathogenic according to the recommendation of ACMG/AMP guideline.

Institute of Human Genetics, Clinical Exome/Genome Diagnostics Group, University Hospital Bonn
Classification: Uncertain significance. Last evaluated: 2022-03-24. Review status: criteria provided, single submitter. Criteria: ACMG Guidelines, 2015. Collection method: clinical testing. Allele origin: germline. Affected: yes.
Comment: PP3, PP5

Blueprint Genetics
Classification: Uncertain significance. Last evaluated: 2019-10-25. Review status: criteria provided, single submitter. Criteria: ACMG Guidelines, 2015. Collection method: clinical testing. Allele origin: germline.

PreventionGenetics, part of Exact Sciences
Classification: Uncertain significance. Last evaluated: 2018-09-10. Review status: criteria provided, single submitter. Criteria: ACMG Guidelines, 2015. Collection method: clinical testing. Allele origin: germline.

Literature cited by the submitters: PubMed 25214167 (cited by Labcorp Genetics (formerly Invitae), Labcorp); PubMed 21118704 (cited by All of Us Research Program, National Institutes of Health and Color Diagnostics, LLC DBA Color Health); PubMed 33767344 (cited by 3billion).